The following is an entry in ClinVar:

ClinVar aggregate classification (germline): Likely benign (0 of 4 stars; one submission).

Conditions:
PLXNA1-related disorder. Also called: PLXNA1-related condition.

Submission:

PreventionGenetics, part of Exact Sciences
Classification: Likely benign for PLXNA1-related condition. Last evaluated: 2024-08-22. Review status: no assertion criteria provided. Collection method: clinical testing. Allele origin: germline.
Comment: This variant is classified as likely benign based on ACMG/AMP sequence variant interpretation guidelines (Richards et al. 2015 PMID: 25741868, with internal and published modifications).

NM_032242.4(PLXNA1):c.2535C>T (p.Ala845=)

Gene: PLXNA1 (plexin A1; plus strand). Cytogenetic location: 3q21.3.
Variant type: single nucleotide variant.
Coding change: c.2535C>T on transcript NM_032242.4 (MANE Select); coding-DNA position 2535, C replaced by T.
Protein change: p.Ala845=; no amino-acid change (alanine 845 retained).
Molecular consequence: synonymous variant.
Genome position (GRCh38, 1-based): chr3:127,014,306, C>T. VCF-style: chr3-127014306-C-T. GRCh37 (hg19) VCF-style: chr3-126733149-C-T.
Identifiers: ClinVar variation 3352224 (VCV003352224.1).
Genomic context (GRCh38, chr3:127,014,306, plus strand): 5'-CTTCGAGTGCGGATGGTGCGTGGCCGAGCGCCGCTGCTCCCTGCGACACCACTGCGCTGC[C>T]GACACACCTGCATCGTGGATGCACGCGCGTCACGGCAGCAGTCGCTGCACCGACCCCAAG-3'
Protein context (NP_115618.3, residues 835-855): RRCSLRHHCA[Ala845=]DTPASWMHAR